The following is an entry in ClinVar:

NM_020366.4(RPGRIP1):c.620G>A (p.Ser207Asn)

Gene: RPGRIP1 (RPGR interacting protein 1; plus strand). Cytogenetic location: 14q11.2.
Variant type: single nucleotide variant.
Coding change: c.620G>A on transcript NM_020366.4 (MANE Select); coding-DNA position 620, G replaced by A.
Protein change: p.Ser207Asn; replaces serine 207 with asparagine.
Molecular consequence: missense variant.
Genome position (GRCh38, 1-based): chr14:21,303,363, G>A. VCF-style: chr14-21303363-G-A. GRCh37 (hg19) VCF-style: chr14-21771522-G-A.
Other names: short protein forms S207N.
Identifiers: ClinVar variation 1040063 (VCV001040063.7), dbSNP rs763667727, ClinGen allele CA7088716.
Genomic context (GRCh38, chr14:21,303,363, plus strand): 5'-AGTTTCTAAGTATCCTTTTTGTATTTAGTGTTTCTGGTTCTAACAGCATAATTTCTTTCA[G>A]CAGTGTCATAAGTATGGCTAAACCCATTGGTCTATGCATGCCTAACAGTGCCCACATCAT-3'
Protein context (NP_065099.3, residues 197-217): VSGSNSIISF[Ser207Asn]SVISMAKPIG

ClinVar aggregate classification (germline): Uncertain significance (1 of 4 stars; one submission).

Conditions:
Cone-rod dystrophy 13 (CORD13). Identifiers: Orphanet 1872, MedGen C2750720, MONDO:0011987, OMIM 608194.
Leber congenital amaurosis 6 (LCA6). Identifiers: Orphanet 65, MedGen C1854260, MONDO:0013446, OMIM 613826.

Allele frequency attached by ClinVar (database versions not stated): gnomAD exomes below 0.00001; ExAC 0.00001.
gnomAD v4.1: 41 of 1,613,434 alleles (0.0025%); highest among the groups gnomAD compares: Non-Finnish European, 0.0034%; 1 homozygote.

Submission:

Labcorp Genetics (formerly Invitae), Labcorp
Classification: Uncertain significance for Leber congenital amaurosis 6; Cone-rod dystrophy 13. Last evaluated: 2021-09-07. Review status: criteria provided, single submitter. Criteria: Invitae Variant Classification Sherloc (09022015). Collection method: clinical testing. Allele origin: germline.
Comment: This sequence change replaces serine with asparagine at codon 207 of the RPGRIP1 protein (p.Ser207Asn). The serine residue is weakly conserved and there is a small physicochemical difference between serine and asparagine. The frequency data for this variant in the population databases is considered unreliable, as metrics indicate poor data quality at this position in the ExAC database. This variant has not been reported in the literature in individuals affected with RPGRIP1-related conditions. Algorithms developed to predict the effect of missense changes on protein structure and function output the following: SIFT: "Tolerated"; PolyPhen-2: "Benign"; Align-GVGD: "Class C0". The asparagine amino acid residue is found in multiple mammalian species, which suggests that this missense change does not adversely affect protein function. In summary, the available evidence is currently insufficient to determine the role of this variant in disease. Therefore, it has been classified as a Variant of Uncertain Significance.